The following is an entry in ClinVar:

NM_001286577.2(C2CD3):c.1423A>T (p.Lys475Ter)

Gene: C2CD3 (C2 domain containing 3 centriole elongation regulator; minus strand). Cytogenetic location: 11q13.4.
Variant type: single nucleotide variant.
Coding change: c.1423A>T on transcript NM_001286577.2 (MANE Select); coding-DNA position 1423, A replaced by T.
Protein change: p.Lys475Ter; replaces lysine 475 with a stop codon.
Molecular consequence: nonsense.
Genome position (GRCh38, 1-based): chr11:74,118,325, T>A on the plus strand (A>T on the coding strand, the complement: C2CD3 is on the minus strand). VCF-style: chr11-74118325-T-A. GRCh37 (hg19) VCF-style: chr11-73829370-T-A.
Other names: c.1423A>T, p.Lys475Ter (NM_015531.6); short protein forms K475*.
Identifiers: ClinVar variation 2794446 (VCV002794446.3), dbSNP rs539141247, ClinGen allele CA381838581.

ClinVar aggregate classification (germline): Pathogenic (1 of 4 stars; one submission).

gnomAD v4.1: 3 of 1,613,086 alleles (0.00019%); highest among the groups gnomAD compares: East Asian, 0.0022%; no homozygotes.

Submission:

Labcorp Genetics (formerly Invitae), Labcorp
Classification: Pathogenic. Last evaluated: 2023-11-13. Review status: criteria provided, single submitter. Criteria: Invitae Variant Classification Sherloc (09022015). Collection method: clinical testing. Allele origin: germline.
Comment: This sequence change creates a premature translational stop signal (p.Lys475*) in the C2CD3 gene. It is expected to result in an absent or disrupted protein product. Loss-of-function variants in C2CD3 are known to be pathogenic (PMID: 24997988, 26477546). This variant is present in population databases (no rsID available, gnomAD 0.003%). This variant has not been reported in the literature in individuals affected with C2CD3-related conditions. For these reasons, this variant has been classified as Pathogenic.

Literature cited by the submitters: PubMed 24997988; PubMed 26477546.